The following is an entry in ClinVar:

ClinVar aggregate classification (germline): Conflicting classifications of pathogenicity. Review status: criteria provided, conflicting classifications (1 of 4 stars). 5 submissions from 4 submitters: Uncertain significance (4); Likely benign (1). Last evaluated 2024-10-16.

Conditions:
Martsolf syndrome (MARTS). Also called: Congenital cataract with intellectual disability and hypogonadotropic hypogonadism syndrome. Identifiers: Orphanet 1387, MedGen C0796037, MONDO:0023910.
Warburg micro syndrome 2 (WARBM2). Also called: MICRO SYNDROME 2. Identifiers: Orphanet 2510, MedGen C3280214, MONDO:0013641, OMIM 614225.

Allele frequency attached by ClinVar (database versions not stated): gnomAD 0.00007 and 0.00008; TOPMed 0.00008; ESP Exome Variant Server 0.00015; ExAC 0.00016; gnomAD exomes 0.00020.
gnomAD v4.1: 202 of 1,613,844 alleles (0.013%); highest among the groups gnomAD compares: Middle Eastern, 0.033%; no homozygotes.

Submissions (5):

Labcorp Genetics (formerly Invitae), Labcorp
Classification: Likely benign for Martsolf syndrome; Warburg micro syndrome 2. Last evaluated: 2024-10-16. Review status: criteria provided, single submitter. Criteria: Invitae Variant Classification Sherloc (09022015). Collection method: clinical testing. Allele origin: germline.

GeneDx
Classification: Uncertain significance. Last evaluated: 2022-01-07. Review status: criteria provided, single submitter. Criteria: GeneDx Variant Classification Process June 2021. Collection method: clinical testing. Allele origin: germline. Affected: yes.
Comment: In silico analysis supports that this missense variant has a deleterious effect on protein structure/function; Has not been previously published as pathogenic or benign to our knowledge; This variant is associated with the following publications: (PMID: Radziwonik2021[Preprint])

Illumina Laboratory Services, Illumina
Classification: Uncertain significance for Martsolf syndrome 1. Last evaluated: 2018-01-13. Review status: criteria provided, single submitter. Criteria: ICSL Variant Classification Criteria 13 December 2019. Collection method: clinical testing. Allele origin: germline.

Illumina Laboratory Services, Illumina
Classification: Uncertain significance for Warburg micro syndrome 2. Last evaluated: 2018-01-13. Review status: criteria provided, single submitter. Criteria: ICSL Variant Classification Criteria 13 December 2019. Collection method: clinical testing. Allele origin: germline.

Genetic Services Laboratory, University of Chicago
Classification: Uncertain significance. Last evaluated: 2017-02-27. Review status: criteria provided, single submitter. Criteria: ACMG Guidelines, 2015. Collection method: clinical testing. Allele origin: germline. Affected: no.

NM_012414.4(RAB3GAP2):c.1406C>T (p.Ala469Val)

Gene: RAB3GAP2 (RAB3 GTPase activating non-catalytic protein subunit 2; minus strand). Cytogenetic location: 1q41.
Variant type: single nucleotide variant.
Coding change: c.1406C>T on transcript NM_012414.4 (MANE Select); coding-DNA position 1406, C replaced by T.
Protein change: p.Ala469Val; replaces alanine 469 with valine.
Molecular consequence: missense variant.
Genome position (GRCh38, 1-based): chr1:220,191,149, G>A on the plus strand (C>T on the coding strand, the complement: RAB3GAP2 is on the minus strand). VCF-style: chr1-220191149-G-A. GRCh37 (hg19) VCF-style: chr1-220364491-G-A.
Other names: short protein forms A469V.
Identifiers: ClinVar variation 436474 (VCV000436474.13), dbSNP rs151225064, ClinGen allele CA1402705.